The following is an entry in ClinVar:

NM_000238.4(KCNH2):c.1849T>C (p.Phe617Leu)

Gene: KCNH2 (potassium voltage-gated channel subfamily H member 2; minus strand). Cytogenetic location: 7q36.1.
Variant type: single nucleotide variant.
Coding change: c.1849T>C on transcript NM_000238.4 (MANE Select); coding-DNA position 1849, T replaced by C.
Protein change: p.Phe617Leu; replaces phenylalanine 617 with leucine.
Molecular consequence: missense variant.
Genome position (GRCh38, 1-based): chr7:150,951,544, A>G on the plus strand (T>C on the coding strand, the complement: KCNH2 is on the minus strand). VCF-style: chr7-150951544-A-G. GRCh37 (hg19) VCF-style: chr7-150648632-A-G.
Other names: c.829T>C, p.Phe277Leu (NM_001204798.2, NM_172057.3); c.1561T>C, p.Phe521Leu (NM_001406753.1, NM_001406756.1); c.1672T>C, p.Phe558Leu (NM_001406755.1); c.1549T>C, p.Phe517Leu (NM_001406757.1); c.1849T>C, p.Phe617Leu (NM_172056.3); short protein forms F277L, F617L, F521L, F517L, F558L.
Identifiers: ClinVar variation 207940 (VCV000207940.11), dbSNP rs796052195, ClinGen allele CA204228.

ClinVar aggregate classification (germline): Uncertain significance. Review status: criteria provided, single submitter (1 of 4 stars). 2 submissions from 2 submitters: Uncertain significance (1). 1 of the submissions does not count toward it. Last evaluated 2019-03-06.

Conditions:
Long QT syndrome (LQTS). Identifiers: MedGen C0023976, MeSH D008133, MONDO:0002442. Disease mechanism: loss of function. Inheritance: Various modes of inheritance.

Submissions (2):

Labcorp Genetics (formerly Invitae), Labcorp
Classification: Uncertain significance for Long QT syndrome. Last evaluated: 2019-03-06. Review status: criteria provided, single submitter. Criteria: Invitae Variant Classification Sherloc (09022015). Collection method: clinical testing. Allele origin: germline.
Comment: This variant disrupts the p.Phe617 amino acid residue in KCNH2. Other variant(s) that disrupt this residue have been observed in individuals with KCNH2-related conditions (PMID: 25987402), which suggests that this may be a clinically significant amino acid residue. In summary, the available evidence is currently insufficient to determine the role of this variant in disease. Therefore, it has been classified as a Variant of Uncertain Significance. Algorithms developed to predict the effect of missense changes on protein structure and function are either unavailable or do not agree on the potential impact of this missense change (SIFT: "Deleterious"; PolyPhen-2: "Probably Damaging"; Align-GVGD: "Class C0"). This variant has been observed in individuals affected with clinical features of long QT syndrome (PMID: 26132555, Invitae). ClinVar contains an entry for this variant (Variation ID: 207940). This variant is not present in population databases (ExAC no frequency). This sequence change replaces phenylalanine with leucine at codon 617 of the KCNH2 protein (p.Phe617Leu). The phenylalanine residue is highly conserved and there is a small physicochemical difference between phenylalanine and leucine.

Medical Research Institute, Tokyo Medical and Dental University
Classification: Likely pathogenic for Long QT syndrome. Review status: no assertion criteria provided. Collection method: research. Allele origin: germline. Affected: yes. Not counted in ClinVar's aggregate classification.

Literature cited by the submitters: PubMed 25987402 (cited by Labcorp Genetics (formerly Invitae), Labcorp); PubMed 26132555 (cited by Labcorp Genetics (formerly Invitae), Labcorp and Medical Research Institute, Tokyo Medical and Dental University).